The following is an entry in ClinVar:

ClinVar aggregate classification (germline): Benign (1 of 4 stars; one submission).

Allele frequency attached by ClinVar (database versions not stated): gnomAD 0.01875 and 0.02015; 1000 Genomes Project 0.02017; 1000 Genomes Project 30x 0.02077; TOPMed 0.02149.
gnomAD v4.1: 4,576 of 913,342 alleles (0.5%); highest among the groups gnomAD compares: African/African-American, 6.6%; 121 homozygotes.

Submissions (2):

GeneDx
Classification: Benign. Last evaluated: 2018-06-16. Review status: criteria provided, single submitter. Criteria: GeneDx Variant Classification (06012015). Collection method: clinical testing. Allele origin: germline. Affected: yes.
Comment: This variant is considered likely benign or benign based on one or more of the following criteria: it is a conservative change, it occurs at a poorly conserved position in the protein, it is predicted to be benign by multiple in silico algorithms, and/or has population frequency not consistent with disease.

Dr. Peter K. Rogan Lab, Western University
No classification provided (evidence only). Condition: Cervical cancer. Review status: no classification provided. Collection method: in vitro. Allele origin: not applicable. Functional consequence: retained intron. Not counted in ClinVar's aggregate classification.

NM_020297.4(ABCC9):c.3670-94G>T

Genes: ABCC9 (ATP binding cassette subfamily C member 9; minus strand), KCNJ8-AS1 (KCNJ8 antisense RNA 1; plus strand). Cytogenetic location: 12p12.1.
Variant type: single nucleotide variant.
Coding change: c.3670-94G>T on transcript NM_020297.4 (MANE Select); 94 bases into the intron before coding-DNA position 3670, G replaced by T.
Molecular consequence: intron variant.
Genome position (GRCh38, 1-based): chr12:21,818,345, C>A on the plus strand (G>T on the coding strand, the complement: ABCC9 is on the minus strand). VCF-style: chr12-21818345-C-A. GRCh37 (hg19) VCF-style: chr12-21971279-C-A.
Other names: NC_000012.11:g.21971279C>A; c.2803-94G>T (NM_001377274.1); c.3670-94G>T (NM_005691.4, NM_001377273.1).
Identifiers: ClinVar variation 675740 (VCV000675740.2), dbSNP rs7133945, ClinGen allele CA233617142.